The following is an entry in ClinVar:

NM_004369.4(COL6A3):c.3051C>G (p.His1017Gln)

Gene: COL6A3 (collagen type VI alpha 3 chain; minus strand). Cytogenetic location: 2q37.3.
Variant type: single nucleotide variant.
Coding change: c.3051C>G on transcript NM_004369.4 (MANE Select); coding-DNA position 3051, C replaced by G.
Protein change: p.His1017Gln; replaces histidine 1017 with glutamine.
Molecular consequence: missense variant.
Genome position (GRCh38, 1-based): chr2:237,376,791, G>C on the plus strand (C>G on the coding strand, the complement: COL6A3 is on the minus strand). VCF-style: chr2-237376791-G-C. GRCh37 (hg19) VCF-style: chr2-238285434-G-C.
Other names: c.1830C>G, p.His610Gln (NM_057164.5); c.2433C>G, p.His811Gln (NM_057165.5, NM_057167.4); c.1230C>G, p.His410Gln (NM_057166.5); short protein forms H410Q, H610Q, H1017Q, H811Q.
Identifiers: ClinVar variation 2198159 (VCV002198159.4), dbSNP rs2469912589, ClinGen allele CA351206749.
Genomic context (GRCh38, chr2:237,376,791, plus strand): 5'-GAGAACTGAGTGGCAGAGCAACTAGCATTTCTCTACCATACCTGGTGCTGGTGCTCCGTT[G>C]TGCACTGATTTTAAGAGATTCACTATCTGTGGATGAAGATCTCCAATCTTGGGAAGCGAC-3'
Protein context (NP_004360.2, residues 1007-1027): PQIVNLLKSV[His1017Gln]NGAPAPVSGE

ClinVar aggregate classification (germline): Uncertain significance (1 of 4 stars; one submission).

Conditions:
Bethlem myopathy 1A. Also called: Bethlem Muscular Dystrophy; MYOPATHY, BENIGN CONGENITAL, WITH CONTRACTURES; Bethlem myopathy 1. Identifiers: Orphanet 610, MedGen CN029274, MONDO:0024530, OMIM 158810.

Allele frequency attached by ClinVar (database versions not stated): gnomAD exomes below 0.00001.
gnomAD v4.1: 1 of 1,614,174 alleles (0.000062%); highest among the groups gnomAD compares: Non-Finnish European, 0.000085%; no homozygotes.

Submission:

Labcorp Genetics (formerly Invitae), Labcorp
Classification: Uncertain significance for Bethlem myopathy 1A. Last evaluated: 2022-05-31. Review status: criteria provided, single submitter. Criteria: Invitae Variant Classification Sherloc (09022015). Collection method: clinical testing. Allele origin: germline.
Comment: This sequence change replaces histidine, which is basic and polar, with glutamine, which is neutral and polar, at codon 1017 of the COL6A3 protein (p.His1017Gln). This variant is not present in population databases (gnomAD no frequency). This variant has not been reported in the literature in individuals affected with COL6A3-related conditions. Advanced modeling of protein sequence and biophysical properties (such as structural, functional, and spatial information, amino acid conservation, physicochemical variation, residue mobility, and thermodynamic stability) performed at Invitae indicates that this missense variant is not expected to disrupt COL6A3 protein function. In summary, the available evidence is currently insufficient to determine the role of this variant in disease. Therefore, it has been classified as a Variant of Uncertain Significance.